The following is an entry in ClinVar:

NM_014946.4(SPAST):c.1246-1G>A

Gene: SPAST (spastin; plus strand). Cytogenetic location: 2p22.3.
Variant type: single nucleotide variant.
Coding change: c.1246-1G>A on transcript NM_014946.4 (MANE Select); the canonical splice acceptor site of the intron before coding-DNA position 1246, G replaced by A.
Molecular consequence: splice acceptor variant.
Genome position (GRCh38, 1-based): chr2:32,136,562, G>A. VCF-style: chr2-32136562-G-A. GRCh37 (hg19) VCF-style: chr2-32361631-G-A.
Other names: c.1150-1G>A (NM_199436.2, NM_001377959.1); c.1243-1G>A (NM_001363823.2); c.1147-1G>A (NM_001363875.2).
Identifiers: ClinVar variation 2629904 (VCV002629904.1), dbSNP rs1553318156, ClinGen allele CA346501816.
Genomic context (GRCh38, chr2:32,136,562, plus strand): 5'-ATTTAAAAAACTGGAATAATGTTGCATTTTATGTGTATAACAGTATAATGCTTTGTTTTA[G>A]GTGGGAGAAGGAGAGAAATTGGTGAGGGCTCTTTTTGCTGTGGCTCGAGAACTTCAACCT-3'

ClinVar aggregate classification (germline): Likely pathogenic (1 of 4 stars; one submission).

Conditions:
SPAST-related disorder. Also called: SPAST-related condition.

Submission:

PreventionGenetics, part of Exact Sciences
Classification: Likely pathogenic for SPAST-related condition. Last evaluated: 2022-12-09. Review status: criteria provided, single submitter. Criteria: ACMG Guidelines, 2015. Collection method: clinical testing. Allele origin: germline.
Comment: The SPAST c.1246-1G>A variant is predicted to disrupt the AG splice acceptor site and interfere with normal splicing. To our knowledge, this variant has not been reported in the literature or in a large population database, indicating this variant is rare. Variants that disrupt the consensus splice acceptor site in SPAST are expected to be pathogenic, and different nucleotide substitutions have been reported at this position in individuals with hereditary spastic paraplegia (see for example, c.1246-1G>C, Erichsen et al. 2007. PubMed ID: 17594340). The c.1246-1G>A variant is interpreted as likely pathogenic.